The following is an entry in ClinVar:

NM_001374736.1(DST):c.17728_17755del (p.Arg5910fs)

Gene: DST (dystonin; minus strand). Cytogenetic location: 6p12.1.
Variant type: Deletion.
Coding change: c.17728_17755del on transcript NM_001374736.1 (MANE Select); coding-DNA positions 17728 to 17755, 28 bases deleted (AGGTACAAAGACATTACTAAACTGAGCA).
Protein change: p.Arg5910fs; shifts the reading frame from arginine 5910.
Molecular consequence: frameshift variant.
Genome position (GRCh38, 1-based): chr6:56,527,660-56,527,687, TGCTCAGTTTAGTAATGTCTTTGTACCT deleted on the plus strand (AGGTACAAAGACATTACTAAACTGAGCA on the coding strand, the reverse complement: DST is on the minus strand); deleting any 28 consecutive bases within chr6:56,527,660-56,527,691 gives the same sequence; the c. name uses the placement nearest the transcript's 3' end. VCF-style (leftmost placement, unchanged base first): chr6-56527659-GTGCTCAGTTTAGTAATGTCTTTGTACCT-G. GRCh37 (hg19) VCF-style: chr6-56392457-GTGCTCAGTTTAGTAATGTCTTTGTACCT-G.
Other names: c.11371_11398del, p.Arg3791fs (NM_001144769.5); c.10957_10984del, p.Arg3653fs (NM_001144770.2); c.17728_17755del, p.Arg5910fs (NM_001374722.1); c.16768_16795del, p.Arg5590fs (NM_001374729.1); c.10510_10537del, p.Arg3504fs (NM_001374730.1); c.17755_17782del, p.Arg5919fs (NM_001374734.1); c.10837_10864del, p.Arg3613fs (NM_001386100.1, NM_183380.4); c.9859_9886del, p.Arg3287fs (NM_015548.5); short protein forms R3287fs, R3504fs, R3613fs, R3653fs, R3791fs, R5590fs, R5910fs, R5919fs.
Identifiers: ClinVar variation 3755573 (VCV003755573.2).

ClinVar aggregate classification (germline): Pathogenic (1 of 4 stars; one submission).

Conditions:
Hereditary sensory and autonomic neuropathy type 6. Also called: HSAN VI; Neuropathy, hereditary sensory and autonomic, type VI. Identifiers: Orphanet 314381, MedGen C3539003, MONDO:0013839, OMIM 614653.
Epidermolysis bullosa simplex 3, localized or generalized intermediate, with BP230 deficiency (EBS3). Also called: Epidermolysis bullosa simplex due to BP230 deficiency; Epidermolysis bullosa simplex, autosomal recessive 2. Identifiers: Orphanet 412181, MedGen C3809470, MONDO:0014180, OMIM 615425.

Submission:

Labcorp Genetics (formerly Invitae), Labcorp
Classification: Pathogenic for Epidermolysis bullosa simplex 3, localized or generalized intermediate, with BP230 deficiency; Hereditary sensory and autonomic neuropathy type 6. Last evaluated: 2024-03-28. Review status: criteria provided, single submitter. Criteria: Invitae Variant Classification Sherloc (09022015). Collection method: clinical testing. Allele origin: germline.
Comment: The DST gene has multiple clinically relevant transcripts. This variant occurs in alternate transcript NM_015548.4, and corresponds to NM_001723.5:c.*87830_*87857del in the primary transcript. This sequence change creates a premature translational stop signal (p.Arg3287Leufs*43) in the DST gene. It is expected to result in an absent or disrupted protein product. Loss-of-function variants in DST are known to be pathogenic (PMID: 22522446, 25059916, 30371979). This variant is not present in population databases (gnomAD no frequency). This variant has not been reported in the literature in individuals affected with DST-related conditions. For these reasons, this variant has been classified as Pathogenic.

Literature cited by the submitters: PubMed 22522446; PubMed 25059916; PubMed 30371979.